The following is an entry in ClinVar:

ClinVar aggregate classification (germline): Pathogenic. Review status: criteria provided, multiple submitters, no conflicts (2 of 4 stars). 2 submissions from 2 submitters: Pathogenic (2). Last evaluated 2022-06-23.

Conditions:
Gorlin syndrome. Also called: Nevoid Basal Cell Carcinoma Syndrome; Basal cell nevus syndrome. Identifiers: Orphanet 377, MedGen C0004779, MONDO:0007187.
Medulloblastoma (MDB). Also called: MEDULLOBLASTOMA PREDISPOSITION SYNDROME; Medulloblastoma, somatic. Identifiers: Orphanet 616, MedGen C0025149, MeSH D008527, MONDO:0007959, OMIM 155255, HP:0002885.
Hereditary cancer-predisposing syndrome. Also called: Hereditary neoplastic syndrome; Neoplastic Syndromes, Hereditary; Hereditary Cancer Syndrome; Tumor predisposition. Identifiers: Orphanet 140162, MedGen C0027672, MeSH D009386, MONDO:0015356.

Submissions (2):

Ambry Genetics
Classification: Pathogenic for Hereditary cancer-predisposing syndrome. Last evaluated: 2022-06-23. Review status: criteria provided, single submitter. Criteria: Ambry Variant Classification Scheme 2023. Collection method: clinical testing. Allele origin: germline.
Comment: The c.846dupC pathogenic mutation, located in coding exon 7 of the SUFU gene, results from a duplication of C at nucleotide position 846, causing a translational frameshift with a predicted alternate stop codon (p.E283Rfs*3). This alteration is expected to result in loss of function by premature protein truncation or nonsense-mediated mRNA decay. As such, this alteration is interpreted as a disease-causing mutation.

Labcorp Genetics (formerly Invitae), Labcorp
Classification: Pathogenic for Gorlin syndrome; Medulloblastoma. Last evaluated: 2018-01-16. Review status: criteria provided, single submitter. Criteria: Invitae Variant Classification Sherloc (09022015). Collection method: clinical testing. Allele origin: germline.
Comment: This variant has been reported in an individual affected with medulloblastoma (PMID: 21188540). For these reasons, this variant has been classified as Pathogenic. Loss-of-function variants in SUFU are known to be pathogenic (PMID: 22508808, 25403219). This variant is not present in population databases (ExAC no frequency). This sequence change creates a premature translational stop signal (p.Glu283Argfs*3) in the SUFU gene. It is expected to result in an absent or disrupted protein product.

Literature cited by the submitters: PubMed 21188540 (cited by Labcorp Genetics (formerly Invitae), Labcorp); PubMed 22508808 (cited by Labcorp Genetics (formerly Invitae), Labcorp); PubMed 25403219 (cited by Labcorp Genetics (formerly Invitae), Labcorp).

NM_016169.4(SUFU):c.846dup (p.Glu283fs)

Gene: SUFU (SUFU negative regulator of hedgehog signaling; plus strand). Cytogenetic location: 10q24.32.
Variant type: Duplication.
Coding change: c.846dup on transcript NM_016169.4 (MANE Select); coding-DNA position 846, one base duplicated (C; older notation c.846dupC).
Protein change: p.Glu283fs; shifts the reading frame from glutamic acid 283.
Molecular consequence: frameshift variant.
Genome position (GRCh38, 1-based): chr10:102,597,229, C duplicated; the last of 6 consecutive C bases (chr10:102,597,224-102,597,229); duplicating any one gives the same sequence. VCF-style (leftmost placement, unchanged base first): chr10-102597223-G-GC. GRCh37 (hg19) VCF-style: chr10-104356980-G-GC.
Other names: c.846dupC (NM_016169.3); c.846dup, p.Glu283fs (NM_001178133.2); short protein forms E283fs.
Identifiers: ClinVar variation 570890 (VCV000570890.11), dbSNP rs1477199832, ClinGen allele CA595213108.